The following is an entry in ClinVar:

ClinVar aggregate classification (germline): Conflicting classifications of pathogenicity. Review status: criteria provided, conflicting classifications (1 of 4 stars). 2 submissions from 2 submitters: Uncertain significance (1); Likely benign (1). Last evaluated 2025-09-02.

Conditions:
Neuropathy, hereditary sensory and autonomic, type 2A (HSAN2A). Also called: MORVAN DISEASE; NEUROPATHY, CONGENITAL SENSORY; NEUROPATHY, HEREDITARY SENSORY RADICULAR, AUTOSOMAL RECESSIVE; NEUROPATHY, HEREDITARY SENSORY, TYPE IIA; NEUROPATHY, PROGRESSIVE SENSORY, OF CHILDREN; WNK1-Related HSAN2 (HSAN2A). Identifiers: Orphanet 970, MedGen C2752089, MONDO:0024309, OMIM 201300.
Pseudohypoaldosteronism type 2C (PHA2C). Also called: Pseudohypoaldosteronism Type IIC. Identifiers: Orphanet 757, Orphanet 88940, MedGen C1840391, MONDO:0013778, OMIM 614492.

Allele frequency attached by ClinVar (database versions not stated): gnomAD 0.00003 and 0.00005; TOPMed 0.00005; ExAC 0.00009; gnomAD exomes 0.00013; 1000 Genomes Project 30x 0.00047; 1000 Genomes Project 0.00060.
gnomAD v4.1: 56 of 1,614,118 alleles (0.0035%); highest among the groups gnomAD compares: Admixed American, 0.05%; 1 homozygote.

Submissions (2):

Labcorp Genetics (formerly Invitae), Labcorp
Classification: Likely benign for Neuropathy, hereditary sensory and autonomic, type 2A; Pseudohypoaldosteronism type 2C. Last evaluated: 2025-09-02. Review status: criteria provided, single submitter. Criteria: Invitae Variant Classification Sherloc (09022015). Collection method: clinical testing. Allele origin: germline.

Women's Health and Genetics/Laboratory Corporation of America, LabCorp
Classification: Uncertain significance. Last evaluated: 2024-05-23. Review status: criteria provided, single submitter. Criteria: LabCorp Variant Classification Summary - May 2015. Collection method: clinical testing. Allele origin: germline.
Comment: Variant summary: WNK1 c.6958A>G (p.Met2320Val) results in a conservative amino acid change in the encoded protein sequence. Four of five in-silico tools predict a benign effect of the variant on protein function. The variant allele was found at a frequency of 0.00013 in 251452 control chromosomes. This frequency is not significantly higher than estimated for a pathogenic variant in WNK1 causing Neuropathy, Hereditary Sensory And Autonomic, Type 2A, allowing no conclusion about variant significance. To our knowledge, no occurrence of c.6958A>G in individuals affected with Neuropathy, Hereditary Sensory And Autonomic, Type 2A and no experimental evidence demonstrating its impact on protein function have been reported. ClinVar contains an entry for this variant (Variation ID: 1084421). Based on the evidence outlined above, the variant was classified as uncertain significance.

NM_018979.4(WNK1):c.6958A>G (p.Met2320Val)

Gene: WNK1 (WNK lysine deficient protein kinase 1; plus strand). Cytogenetic location: 12p13.33.
Variant type: single nucleotide variant.
Coding change: c.6958A>G on transcript NM_018979.4 (MANE Select); coding-DNA position 6958, A replaced by G.
Protein change: p.Met2320Val; replaces methionine 2320 with valine.
Molecular consequence: missense variant.
Genome position (GRCh38, 1-based): chr12:908,601, A>G. VCF-style: chr12-908601-A-G. GRCh37 (hg19) VCF-style: chr12-1017767-A-G.
Other names: c.7738A>G, p.Met2580Val (NM_001184985.2); c.6214A>G, p.Met2072Val (NM_014823.3); c.7714A>G, p.Met2572Val (NM_213655.5); short protein forms M2072V, M2320V, M2572V, M2580V.
Identifiers: ClinVar variation 1084421 (VCV001084421.10), dbSNP rs144574284, ClinGen allele CA6383537.